The following is an entry in ClinVar:

ClinVar aggregate classification (germline): Likely pathogenic (1 of 4 stars; one submission).

Conditions:
Spermatogenic failure 65 (SPGF65). Identifiers: MedGen C5562067, MONDO:0030531, OMIM 619712.

Submission:

First Genomix Gene Laboratory, Genetic Diagnostics Department
Classification: Likely pathogenic for Spermatogenic failure 65. Last evaluated: 2025-05-23. Review status: criteria provided, single submitter. Criteria: ACMG Guidelines, 2015. Collection method: clinical testing. Allele origin: germline. Inheritance: Autosomal recessive inheritance. Affected: no. Observed: 1 variant allele.

NM_144666.3(DNHD1):c.2026del (p.Tyr676fs)

Gene: DNHD1 (dynein heavy chain domain 1; plus strand). Cytogenetic location: 11p15.4.
Variant type: Deletion.
Coding change: c.2026del on transcript NM_144666.3 (MANE Select); coding-DNA position 2026, one base deleted (T; older notation c.2026delT).
Protein change: p.Tyr676fs; shifts the reading frame from tyrosine 676.
Molecular consequence: frameshift variant.
Genome position (GRCh38, 1-based): chr11:6,528,710, T deleted; the last of 2 consecutive T bases (chr11:6,528,709-6,528,710); deleting either gives the same sequence. VCF-style (leftmost placement, unchanged base first): chr11-6528708-AT-A. GRCh37 (hg19) VCF-style: chr11-6549938-AT-A.
Other names: c.2026delT (NM_144666.3); short protein forms Y676fs.
Identifiers: ClinVar variation 4849472 (VCV004849472.1).
Genomic context (GRCh38, chr11:6,528,708, plus strand): 5'-CAATTGCTGGTATCTTGGAGGTCCGTGGATGTCGGCTGCGGGGCCAATACTTCCCCCACA[AT>A]TATAAGCAGCTGGAGGAAGACCTGGACAACAACCCTAAGATCCAGCAGGCACTGAATATA-3'